The following is an entry in ClinVar:

ClinVar aggregate classification (germline): Uncertain significance. Review status: criteria provided, multiple submitters, no conflicts (2 of 4 stars). 7 submissions from 7 submitters: Uncertain significance (5). 2 of the submissions do not count toward it. Last evaluated 2025-05-22.

Conditions:
Sarcotubular myopathy (LGMDR8). Also called: Limb-girdle muscular dystrophy, type 2H; MUSCULAR DYSTROPHY, LIMB-GIRDLE, AUTOSOMAL RECESSIVE 8; Autosomal recessive limb-girdle muscular dystrophy type 2H; Hutterite type of muscular dystrophy. Identifiers: Orphanet 1878, MedGen C0270968, MONDO:0009683, OMIM 254110.
Bardet-Biedl syndrome 11 (BBS11). Identifiers: Orphanet 110, MedGen C1859569, MONDO:0014439, OMIM 615988.
TRIM32-related disorder. Also called: TRIM32-related condition.
Bardet-Biedl syndrome (BBS). Identifiers: Orphanet 110, MedGen C0752166, MONDO:0015229.

Allele frequency attached by ClinVar (database versions not stated): TOPMed 0.00001; gnomAD 0.00002; gnomAD exomes 0.00003; ExAC 0.00004.
gnomAD v4.1: 48 of 1,614,004 alleles (0.003%); highest among the groups gnomAD compares: Middle Eastern, 0.033%; no homozygotes.

Submissions (7):

PreventionGenetics, part of Exact Sciences
Classification: Uncertain significance for TRIM32-related condition. Last evaluated: 2025-05-22. Review status: criteria provided, single submitter. Criteria: ACMG Guidelines, 2015. Collection method: clinical testing. Allele origin: germline.
Comment: The TRIM32 c.497G>A variant is predicted to result in the amino acid substitution p.Arg166Gln. To our knowledge, this variant has not been reported in the literature. This variant is reported in 0.0065% of alleles in individuals of South Asian descent in gnomAD. At this time, the clinical significance of this variant is uncertain due to the absence of conclusive functional and genetic evidence.

Labcorp Genetics (formerly Invitae), Labcorp
Classification: Uncertain significance for Bardet-Biedl syndrome. Last evaluated: 2025-01-15. Review status: criteria provided, single submitter. Criteria: Invitae Variant Classification Sherloc (09022015). Collection method: clinical testing. Allele origin: germline.
Comment: This sequence change replaces arginine, which is basic and polar, with glutamine, which is neutral and polar, at codon 166 of the TRIM32 protein (p.Arg166Gln). This variant is present in population databases (rs759945386, gnomAD 0.006%). This variant has not been reported in the literature in individuals affected with TRIM32-related conditions. ClinVar contains an entry for this variant (Variation ID: 501029). An algorithm developed to predict the effect of missense changes on protein structure and function (PolyPhen-2) suggests that this variant¬†is likely to be tolerated. In summary, the available evidence is currently insufficient to determine the role of this variant in disease. Therefore, it has been classified as a Variant of Uncertain Significance.

Fulgent Genetics
Classification: Uncertain significance for Sarcotubular myopathy; Bardet-Biedl syndrome 11. Last evaluated: 2024-02-14. Review status: criteria provided, single submitter. Criteria: ACMG Guidelines, 2015. Collection method: clinical testing. Allele origin: germline.

Revvity Omics, Revvity
Classification: Uncertain significance. Last evaluated: 2022-09-25. Review status: criteria provided, single submitter. Criteria: ACMG Guidelines, 2015. Collection method: clinical testing. Allele origin: germline.

Eurofins Ntd Llc (ga)
Classification: Uncertain significance. Last evaluated: 2017-03-26. Review status: criteria provided, single submitter. Criteria: EGL Classification Definitions 2015. Collection method: clinical testing. Allele origin: germline. Observed: 1 variant allele, 1 heterozygote.

Clinical Genetics DNA and cytogenetics Diagnostics Lab, Erasmus MC, Erasmus Medical Center
Classification: Uncertain significance. Review status: no assertion criteria provided. Collection method: clinical testing. Allele origin: germline. Affected: yes. Study: VKGL Data-share Consensus. Not counted in ClinVar's aggregate classification.

Laboratory of Diagnostic Genome Analysis, Leiden University Medical Center (LUMC)
Classification: Uncertain significance. Review status: no assertion criteria provided. Collection method: clinical testing. Allele origin: germline. Affected: yes. Study: VKGL Data-share Consensus. Not counted in ClinVar's aggregate classification.

NM_012210.4(TRIM32):c.497G>A (p.Arg166Gln)

Genes: ASTN2 (astrotactin 2; minus strand), TRIM32 (tripartite motif containing 32; plus strand). Cytogenetic location: 9q33.1.
Variant type: single nucleotide variant.
Coding change: c.497G>A on transcript NM_012210.4 (MANE Select); coding-DNA position 497, G replaced by A.
Protein change: p.Arg166Gln; replaces arginine 166 with glutamine.
Molecular consequence: missense variant. On other transcripts: intron variant (3).
Genome position (GRCh38, 1-based): chr9:116,698,239, G>A. VCF-style: chr9-116698239-G-A. GRCh37 (hg19) VCF-style: chr9-119460518-G-A.
Other names: c.497G>A, p.Arg166Gln (NM_001099679.2, NM_001379048.1, NM_001379049.1 and 1 more transcripts); c.2653+27532C>T (NM_014010.5); c.2794+27532C>T (NM_001365069.1); c.2806+27532C>T (NM_001365068.1); short protein forms R166Q.
Identifiers: ClinVar variation 501029 (VCV000501029.20), dbSNP rs759945386, ClinGen allele CA5210996.